The following is an entry in ClinVar:

NM_020631.6(PLEKHG5):c.2818G>A (p.Gly940Arg)

Gene: PLEKHG5 (pleckstrin homology and RhoGEF domain containing G5; minus strand). Cytogenetic location: 1p36.31.
Variant type: single nucleotide variant.
Coding change: c.2818G>A on transcript NM_020631.6 (MANE Select); coding-DNA position 2818, G replaced by A.
Protein change: p.Gly940Arg; replaces glycine 940 with arginine.
Molecular consequence: missense variant. On other transcripts: intron variant (1).
Genome position (GRCh38, 1-based): chr1:6,468,018, C>T on the plus strand (G>A on the coding strand, the complement: PLEKHG5 is on the minus strand). VCF-style: chr1-6468018-C-T. GRCh37 (hg19) VCF-style: chr1-6528078-C-T.
Other names: c.2929G>A, p.Gly977Arg (NM_001042663.3, NM_001265592.2); c.2818G>A, p.Gly940Arg (NM_001042664.2, NM_001042665.2, NM_198681.4); c.3025G>A, p.Gly1009Arg (NM_001265593.2); c.2737+81G>A (NM_001265594.3); short protein forms G1009R, G940R, G977R.
Identifiers: ClinVar variation 998844 (VCV000998844.8), dbSNP rs755699992, ClinGen allele CA561089.
Genomic context (GRCh38, chr1:6,468,018, plus strand): 5'-GGTCTCCACACCTCTTCCTGTGGGAGCCTGCAGGTTCCCCGGCCAGGCAGCCGACTAGCC[C>T]AGGACCGCTGCCAGGGCTAGGGGCCCCTCGGCAATCCCAGCTGGGCCCAGCTTCCTGAGG-3'
Protein context (NP_065682.2, residues 930-950): RGAPSPGSGP[Gly940Arg]LVGCLAGEPA

ClinVar aggregate classification (germline): Conflicting classifications of pathogenicity. Review status: criteria provided, conflicting classifications (1 of 4 stars). 2 submissions from 2 submitters: Uncertain significance (1); Likely benign (1). Last evaluated 2021-09-15.

Conditions:
Inborn genetic diseases. Identifiers: MedGen C0950123, MeSH D030342.
Charcot-Marie-Tooth disease recessive intermediate C. Also called: CHARCOT-MARIE-TOOTH NEUROPATHY, RECESSIVE INTERMEDIATE C. Identifiers: Orphanet 369867, MedGen C3809309, MONDO:0014154, OMIM 615376.
Neuronopathy, distal hereditary motor, autosomal recessive 4. Also called: NEUROPATHY, DISTAL HEREDITARY MOTOR, AUTOSOMAL RECESSIVE 4; Autosomal recessive lower motor neuron disease with childhood onset. Identifiers: Orphanet 206580, MedGen C1970211, MONDO:0012608, OMIM 611067.

Allele frequency attached by ClinVar (database versions not stated): gnomAD exomes below 0.00001 and 0.00001; ExAC 0.00005.
gnomAD v4.1: 6 of 1,553,392 alleles (0.00039%); highest among the groups gnomAD compares: Non-Finnish European, 0.00052%; no homozygotes.

Submissions (2):

Ambry Genetics
Classification: Likely benign for Inborn genetic diseases. Last evaluated: 2021-09-15. Review status: criteria provided, single submitter. Criteria: Ambry Variant Classification Scheme 2023. Collection method: clinical testing. Allele origin: germline.

Labcorp Genetics (formerly Invitae), Labcorp
Classification: Uncertain significance for Neuronopathy, distal hereditary motor, autosomal recessive 4; Charcot-Marie-Tooth disease recessive intermediate C. Last evaluated: 2021-09-01. Review status: criteria provided, single submitter. Criteria: Invitae Variant Classification Sherloc (09022015). Collection method: clinical testing. Allele origin: germline.
Comment: This sequence change replaces glycine with arginine at codon 940 of the PLEKHG5 protein (p.Gly940Arg). The glycine residue is weakly conserved and there is a moderate physicochemical difference between glycine and arginine. This variant is present in population databases (rs755699992, ExAC 0.01%). This variant has not been reported in the literature in individuals affected with PLEKHG5-related conditions. Algorithms developed to predict the effect of missense changes on protein structure and function output the following: SIFT: "Tolerated"; PolyPhen-2: "Benign"; Align-GVGD: "Class C0". The arginine amino acid residue is found in multiple mammalian species, which suggests that this missense change does not adversely affect protein function. In summary, the available evidence is currently insufficient to determine the role of this variant in disease. Therefore, it has been classified as a Variant of Uncertain Significance.